The following is an entry in ClinVar:

ClinVar aggregate classification (germline): Likely pathogenic (1 of 4 stars; one submission).

Submission:

CeGaT Center for Human Genetics Tuebingen
Classification: Likely pathogenic. Last evaluated: 2022-08-01. Review status: criteria provided, single submitter. Criteria: CeGaT Center For Human Genetics Tuebingen Variant Classification Criteria Version 2. Collection method: clinical testing. Allele origin: germline. Affected: yes. Observed: 1 variant allele.
Comment: RELN: PVS1:Strong, PM2

NM_005045.4(RELN):c.7931_7932insT (p.Arg2644fs)

Gene: RELN (reelin; minus strand). Cytogenetic location: 7q22.1.
Variant type: Insertion.
Coding change: c.7931_7932insT on transcript NM_005045.4 (MANE Select); coding-DNA positions 7931 to 7932, T inserted.
Protein change: p.Arg2644fs; shifts the reading frame from arginine 2644.
Molecular consequence: frameshift variant.
Genome position: GRCh38 VCF-style: chr7-103515372-T-TA. GRCh37 (hg19) VCF-style: chr7-103155819-T-TA.
Other names: c.7931_7932insT, p.Arg2644fs (NM_173054.3); short protein forms R2644fs.
Identifiers: ClinVar variation 1711660 (VCV001711660.30), dbSNP rs2484741203, ClinGen allele CA2580076053.